The following is an entry in ClinVar:

NM_080732.4(EGLN2):c.461G>A (p.Cys154Tyr)

Genes: EGLN2 (egl-9 family hypoxia inducible factor 2; plus strand), RAB4B-EGLN2 (RAB4B-EGLN2 readthrough (NMD candidate); plus strand). Cytogenetic location: 19q13.2.
Variant type: single nucleotide variant.
Coding change: c.461G>A on transcript NM_080732.4 (MANE Select); coding-DNA position 461, G replaced by A.
Protein change: p.Cys154Tyr; replaces cysteine 154 with tyrosine.
Molecular consequence: missense variant. On other transcripts: non-coding transcript variant (1).
Genome position (GRCh38, 1-based): chr19:40,801,033, G>A. VCF-style: chr19-40801033-G-A. GRCh37 (hg19) VCF-style: chr19-41306938-G-A.
Other names: c.461G>A, p.Cys154Tyr (NM_053046.4); short protein forms C154Y.
Identifiers: ClinVar variation 1741950 (VCV001741950.3), dbSNP rs1767110584, ClinGen allele CA405955305.
Genomic context (GRCh38, chr19:40,801,033, plus strand): 5'-GGCCCTGGGCCAGGCAAGAGAACCAGGAGGCAGAGCGGGAGGGTGGCATGAGCTGCAGCT[G>A]CAGCAGTGGCAGTGGTGAGGCCAGTGCTGGGCTGATGGAGGAGGCGCTGCCCTCTGCGCC-3'
Protein context (NP_542770.2, residues 144-164): AEREGGMSCS[Cys154Tyr]SSGSGEASAG

ClinVar aggregate classification (germline): Uncertain significance (1 of 4 stars; one submission).

Allele frequency attached by ClinVar (database versions not stated): TOPMed below 0.00001.

Submission:

Ambry Genetics
Classification: Uncertain significance. Last evaluated: 2024-08-09. Review status: criteria provided, single submitter. Criteria: Ambry Variant Classification Scheme 2023. Collection method: clinical testing. Allele origin: germline.
Comment: The p.C154Y variant (also known as c.461G>A), located in coding exon 1 of the EGLN2 gene, results from a G to A substitution at nucleotide position 461. The cysteine at codon 154 is replaced by tyrosine, an amino acid with highly dissimilar properties. This amino acid position is conserved. In addition, this alteration is predicted to be tolerated by in silico analysis. Since supporting evidence is limited at this time, the clinical significance of this alteration remains unclear.